The following is an entry in ClinVar:

ClinVar aggregate classification (germline): Likely pathogenic (1 of 4 stars; one submission).

Conditions:
Leukodystrophy, hypomyelinating, 24 (HLD24). Identifiers: MedGen C5676974, MONDO:0859242, OMIM 619851.

Submission:

3billion
Classification: Likely pathogenic for Leukodystrophy, hypomyelinating, 24. Last evaluated: 2026-01-24. Review status: criteria provided, single submitter. Criteria: ACMG Guidelines, 2015. Collection method: clinical testing. Allele origin: germline. Affected: yes.
Comment: The variant is not observed in the gnomAD v4.1.0 dataset. Predicted Consequence/Location: Missense variant In silico tool predictions suggest damaging effect of the variant on gene or gene product [REVEL: 0.74 (>=0.6, sensitivity 0.68 and specificity 0.92); 3Cnet: 0.34 (> 0.75, sensitivity 0.96 and precision 0.92)]. The same nucleotide change resulting in the same amino acid change has been previously reported to be associated with ATP11A-related disorder (PMID: 39432785).The variant has been previously reported as assumed (i.e. paternity and maternity not confirmed) de novo in at least one similarly affected unrelated individual (PMID: 39432785). Therefore, this variant is classified as Likely pathogenic according to the recommendation of ACMG/AMP guideline.

Literature cited by the submitters: PubMed 39432785.

NM_015205.3(ATP11A):c.1196C>T (p.Ser399Leu)

Gene: ATP11A (ATPase phospholipid transporting 11A; plus strand). Cytogenetic location: 13q34.
Variant type: single nucleotide variant.
Coding change: c.1196C>T on transcript NM_015205.3 (MANE Select); coding-DNA position 1196, C replaced by T.
Protein change: p.Ser399Leu; replaces serine 399 with leucine.
Molecular consequence: missense variant.
Genome position (GRCh38, 1-based): chr13:112,826,866, C>T. VCF-style: chr13-112826866-C-T. GRCh37 (hg19) VCF-style: chr13-113481180-C-T.
Other names: c.1196C>T, p.Ser399Leu (NM_001405661.1, NM_001405662.1, NM_001405663.1 and 1 more transcripts); short protein forms S399L.
Identifiers: ClinVar variation 4855622 (VCV004855622.1).